The following is an entry in ClinVar:

ClinVar aggregate classification (germline): Uncertain significance. Review status: criteria provided, multiple submitters, no conflicts (2 of 4 stars). 2 submissions from 2 submitters: Uncertain significance (2). Last evaluated 2019-01-28.

Conditions:
Epilepsy, familial focal, with variable foci 1 (FFEVF1). Also called: DEPDC5-Related Epilepsy. Identifiers: MedGen C4551983, MONDO:0024556, OMIM 604364.

Submissions (2):

Centre for Mendelian Genomics, University Medical Centre Ljubljana
Classification: Uncertain significance for Epilepsy, familial focal, with variable foci 1. Last evaluated: 2019-01-28. Review status: criteria provided, single submitter. Criteria: ACMG Guidelines, 2015. Collection method: clinical testing. Allele origin: unknown. Affected: yes.
Comment: This variant was classified as: Uncertain significance. The available evidence on this variant's pathogenicity is insufficient or conflicting. The following ACMG criteria were applied in classifying this variant: PM2,PP3.

CeGaT Center for Human Genetics Tuebingen
Classification: Uncertain significance. Last evaluated: 2017-05-01. Review status: criteria provided, single submitter. Criteria: CeGaT Center For Human Genetics Tuebingen Variant Classification Criteria Version 2. Collection method: clinical testing. Allele origin: germline. Affected: yes. Observed: 1 variant allele.

NM_001242896.3(DEPDC5):c.2500C>G (p.Pro834Ala)

Gene: DEPDC5 (DEP domain containing 5, GATOR1 subcomplex subunit; plus strand). Cytogenetic location: 22q12.3.
Variant type: single nucleotide variant.
Coding change: c.2500C>G on transcript NM_001242896.3 (MANE Select); coding-DNA position 2500, C replaced by G.
Protein change: p.Pro834Ala; replaces proline 834 with alanine.
Molecular consequence: missense variant. On other transcripts: non-coding transcript variant (5).
Genome position (GRCh38, 1-based): chr22:31,838,830, C>G. VCF-style: chr22-31838830-C-G. GRCh37 (hg19) VCF-style: chr22-32234816-C-G.
Other names: c.2473C>G, p.Pro825Ala (NM_001136029.4, NM_001369903.1, NM_014662.6); c.2266C>G, p.Pro756Ala (NM_001242897.2, NM_001363854.2, NM_001364319.2); c.2500C>G, p.Pro834Ala (NM_001363852.2, NM_001364318.2, NM_001364320.2); c.2416C>G, p.Pro806Ala (NM_001369901.1, NM_001369902.1); short protein forms P806A, P834A, P756A, P825A.
Identifiers: ClinVar variation 809351 (VCV000809351.45), dbSNP rs1569067813, ClinGen allele CA411287727.
Genomic context (GRCh38, chr22:31,838,830, plus strand): 5'-ATAGTGCAGCCCAAGACACAGAAACCCAATCCTGCTGTCCCGCCCCCGCTGAGCAGTAGC[C>G]CACTCTATAGCCGAGGTGAGTTTTTCTCCTTGGATTTCTATTTTTTTCTCTTCTACTGTG-3'
Protein context (NP_001229825.1, residues 824-844): PAVPPPLSSS[Pro834Ala]LYSRGLVSRN